The following is an entry in ClinVar:

ClinVar aggregate classification (germline): Benign/Likely benign. Review status: criteria provided, multiple submitters, no conflicts (2 of 4 stars). 10 submissions from 10 submitters: Benign (4); Likely benign (4). 2 of the submissions do not count toward it. Last evaluated 2026-01-28.

Conditions:
Inborn genetic diseases. Identifiers: MedGen C0950123, MeSH D030342.
Congenital muscular hypertrophy-cerebral syndrome (CDLS2). Also called: Cornelia de Lange syndrome 2; SMC1A-Related Cornelia de Lange Syndrome. Identifiers: Orphanet 199, MedGen C1802395, MONDO:0010370, OMIM 300590.

Allele frequency attached by ClinVar (database versions not stated): ESP Exome Variant Server 0.00028; ExAC 0.00036; gnomAD exomes 0.00036 and 0.00044; gnomAD 0.00039 and 0.00040; TOPMed 0.00052.
gnomAD v4.1: 453 of 1,209,196 alleles (0.037%); highest among the groups gnomAD compares: Admixed American, 0.12%; no homozygotes.

Submissions (10):

Labcorp Genetics (formerly Invitae), Labcorp
Classification: Benign for Congenital muscular hypertrophy-cerebral syndrome. Last evaluated: 2026-01-28. Review status: criteria provided, single submitter. Criteria: Invitae Variant Classification Sherloc (09022015). Collection method: clinical testing. Allele origin: germline.

Blueprint Genetics
Classification: Likely benign. Last evaluated: 2024-09-20. Review status: criteria provided, single submitter. Criteria: ACMG Guidelines, 2015. Collection method: clinical testing. Allele origin: germline.

ARUP Laboratories, Molecular Genetics and Genomics, ARUP Laboratories
Classification: Benign. Last evaluated: 2024-05-23. Review status: criteria provided, single submitter. Criteria: ARUP Molecular Germline Variant Investigation Process 2024. Collection method: clinical testing. Allele origin: germline.

CeGaT Center for Human Genetics Tuebingen
Classification: Likely benign. Last evaluated: 2022-10-01. Review status: criteria provided, single submitter. Criteria: CeGaT Center For Human Genetics Tuebingen Variant Classification Criteria Version 2. Collection method: clinical testing. Allele origin: germline. Affected: yes. Observed: 3 variant alleles.
Comment: SMC1A: BP4, BP7

Athena Diagnostics
Classification: Benign. Last evaluated: 2017-09-15. Review status: criteria provided, single submitter. Criteria: Athena Diagnostics Criteria. Collection method: clinical testing. Allele origin: germline.

Eurofins Ntd Llc (ga)
Classification: Benign. Last evaluated: 2017-04-13. Review status: criteria provided, single submitter. Criteria: EGL Classification Definitions 2015. Collection method: clinical testing. Allele origin: germline. Observed: 1 variant allele, 1 hemizygote.

Ambry Genetics
Classification: Likely benign for Inborn genetic diseases. Last evaluated: 2016-08-23. Review status: criteria provided, single submitter. Criteria: Ambry Variant Classification Scheme 2023. Collection method: clinical testing. Allele origin: germline.

Genetic Services Laboratory, University of Chicago
Classification: Likely benign. Last evaluated: 2015-04-16. Review status: criteria provided, single submitter. Criteria: ACMG Guidelines, 2015. Collection method: clinical testing. Allele origin: germline.

Clinical Genetics DNA and cytogenetics Diagnostics Lab, Erasmus MC, Erasmus Medical Center
Classification: Likely benign. Review status: no assertion criteria provided. Collection method: clinical testing. Allele origin: germline. Affected: yes. Study: VKGL Data-share Consensus. Not counted in ClinVar's aggregate classification.

Genome Diagnostics Laboratory, University Medical Center Utrecht
Classification: Likely benign. Review status: no assertion criteria provided. Collection method: clinical testing. Allele origin: germline. Affected: yes. Study: VKGL Data-share Consensus. Not counted in ClinVar's aggregate classification.

NM_006306.4(SMC1A):c.2824C>T (p.Leu942=)

Gene: SMC1A (structural maintenance of chromosomes 1A; minus strand). Cytogenetic location: Xp11.22.
Variant type: single nucleotide variant.
Coding change: c.2824C>T on transcript NM_006306.4 (MANE Select); coding-DNA position 2824, C replaced by T.
Protein change: p.Leu942=; no amino-acid change (leucine 942 retained).
Molecular consequence: synonymous variant.
Genome position (GRCh38, 1-based): chrX:53,396,265, G>A on the plus strand (C>T on the coding strand, the complement: SMC1A is on the minus strand). VCF-style: chrX-53396265-G-A. GRCh37 (hg19) VCF-style: chrX-53423185-G-A.
Other names: c.2758C>T, p.Leu920= (NM_001281463.1).
Identifiers: ClinVar variation 212269 (VCV000212269.61), dbSNP rs139654605, ClinGen allele CA206432.